The following is an entry in ClinVar:

NM_004655.4(AXIN2):c.658G>T (p.Val220Phe)

Gene: AXIN2 (axin 2; minus strand). Cytogenetic location: 17q24.1.
Variant type: single nucleotide variant.
Coding change: c.658G>T on transcript NM_004655.4 (MANE Select); coding-DNA position 658, G replaced by T.
Protein change: p.Val220Phe; replaces valine 220 with phenylalanine.
Molecular consequence: missense variant.
Genome position (GRCh38, 1-based): chr17:65,557,963, C>A on the plus strand (G>T on the coding strand, the complement: AXIN2 is on the minus strand). VCF-style: chr17-65557963-C-A. GRCh37 (hg19) VCF-style: chr17-63554081-C-A.
Other names: c.658G>T, p.Val220Phe (NM_001363813.1); short protein forms V220F.
Identifiers: ClinVar variation 3673709 (VCV003673709.2).

ClinVar aggregate classification (germline): Uncertain significance (1 of 4 stars; one submission).

Conditions:
Oligodontia-cancer predisposition syndrome. Also called: TOOTH AGENESIS-COLORECTAL CANCER SYNDROME. Identifiers: Orphanet 300576, MedGen C1837750, MONDO:0012075, OMIM 608615. Disease mechanism: loss of function.

gnomAD v4.1: 1 of 1,614,198 alleles (0.000062%); highest among the groups gnomAD compares: Non-Finnish European, 0.000085%; no homozygotes.

Submission:

Labcorp Genetics (formerly Invitae), Labcorp
Classification: Uncertain significance for Oligodontia-cancer predisposition syndrome. Last evaluated: 2024-08-14. Review status: criteria provided, single submitter. Criteria: Invitae Variant Classification Sherloc (09022015). Collection method: clinical testing. Allele origin: germline.
Comment: This sequence change replaces valine, which is neutral and non-polar, with phenylalanine, which is neutral and non-polar, at codon 220 of the AXIN2 protein (p.Val220Phe). This variant is not present in population databases (gnomAD no frequency). This variant has not been reported in the literature in individuals affected with AXIN2-related conditions. Invitae Evidence Modeling of protein sequence and biophysical properties (such as structural, functional, and spatial information, amino acid conservation, physicochemical variation, residue mobility, and thermodynamic stability) indicates that this missense variant is not expected to disrupt AXIN2 protein function with a negative predictive value of 80%. In summary, the available evidence is currently insufficient to determine the role of this variant in disease. Therefore, it has been classified as a Variant of Uncertain Significance.